The following is an entry in ClinVar:

NM_001458.5(FLNC):c.6451G>T (p.Gly2151Cys)

Genes: FLNC (filamin C; plus strand), FLNC-AS1 (FLNC antisense RNA 1; minus strand). Cytogenetic location: 7q32.1.
Variant type: single nucleotide variant.
Coding change: c.6451G>T on transcript NM_001458.5 (MANE Select); coding-DNA position 6451, G replaced by T.
Protein change: p.Gly2151Cys; replaces glycine 2151 with cysteine.
Molecular consequence: missense variant.
Genome position (GRCh38, 1-based): chr7:128,853,804, G>T. VCF-style: chr7-128853804-G-T. GRCh37 (hg19) VCF-style: chr7-128493858-G-T.
Other names: c.6352G>T, p.Gly2118Cys (NM_001127487.2); short protein forms G2151C, G2118C.
Identifiers: ClinVar variation 576043 (VCV000576043.9), dbSNP rs1563003159, ClinGen allele CA369212571.

ClinVar aggregate classification (germline): Uncertain significance (1 of 4 stars; one submission).

Conditions:
Distal myopathy with posterior leg and anterior hand involvement. Also called: WILLIAMS DISTAL MYOPATHY. Identifiers: Orphanet 63273, MedGen C3279722, MONDO:0013550, OMIM 614065.
Myofibrillar myopathy 5. Also called: FILAMINOPATHY, AUTOSOMAL DOMINANT; Filaminopathy (type). Identifiers: Orphanet 171445, MedGen C1836050, MONDO:0012289, OMIM 609524.
Hypertrophic cardiomyopathy 26. Also called: Cardiomyopathy, familial hypertrophic, 26. Identifiers: Orphanet 75249, MedGen C4310749, MONDO:0014883, OMIM 617047.

Submission:

Labcorp Genetics (formerly Invitae), Labcorp
Classification: Uncertain significance for Distal myopathy with posterior leg and anterior hand involvement; Myofibrillar myopathy 5; Hypertrophic cardiomyopathy 26. Last evaluated: 2018-06-11. Review status: criteria provided, single submitter. Criteria: Invitae Variant Classification Sherloc (09022015). Collection method: clinical testing. Allele origin: germline.
Comment: In summary, the available evidence is currently insufficient to determine the role of this variant in disease. Therefore, it has been classified as a Variant of Uncertain Significance. Algorithms developed to predict the effect of missense changes on protein structure and function are either unavailable or do not agree on the potential impact of this missense change (SIFT: "Deleterious"; PolyPhen-2: "Probably Damaging"; Align-GVGD: "Class C0"). This variant has not been reported in the literature in individuals with FLNC-related disease. This variant is not present in population databases (ExAC no frequency). This sequence change replaces glycine with cysteine at codon 2151 of the FLNC protein (p.Gly2151Cys). The glycine residue is highly conserved and there is a large physicochemical difference between glycine and cysteine.